The following is an entry in ClinVar:

NM_022436.3(ABCG5):c.658A>G (p.Thr220Ala)

Genes: ABCG5 (ATP binding cassette subfamily G member 5; minus strand), DYNC2LI1 (dynein cytoplasmic 2 light intermediate chain 1; plus strand). Cytogenetic location: 2p21.
Variant type: single nucleotide variant.
Coding change: c.658A>G on transcript NM_022436.3 (MANE Select); coding-DNA position 658, A replaced by G.
Protein change: p.Thr220Ala; replaces threonine 220 with alanine.
Molecular consequence: missense variant. On other transcripts: intron variant (2).
Genome position (GRCh38, 1-based): chr2:43,826,498, T>C on the plus strand (A>G on the coding strand, the complement: ABCG5 is on the minus strand). VCF-style: chr2-43826498-T-C. GRCh37 (hg19) VCF-style: chr2-44053637-T-C.
Other names: c.*16-888T>C (NM_001348913.2, NM_001348912.2); short protein forms T220A.
Identifiers: ClinVar variation 596105 (VCV000596105.14), dbSNP rs781732933, ClinGen allele CA1636562.

ClinVar aggregate classification (germline): Uncertain significance. Review status: criteria provided, multiple submitters, no conflicts (2 of 4 stars). 5 submissions from 5 submitters: Uncertain significance (4). 1 of the submissions does not count toward it. Last evaluated 2025-12-01.

Conditions:
Cardiovascular phenotype. Identifiers: MedGen CN230736.
ABCG5-related disorder. Also called: ABCG5-related condition.
Sitosterolemia (STSL). Also called: PHYTOSTEROLEMIA. Identifiers: Orphanet 2882, MedGen C0342907, MONDO:0008863.

Allele frequency attached by ClinVar (database versions not stated): ExAC 0.00002; gnomAD 0.00004; gnomAD exomes 0.00002; TOPMed 0.00003.
gnomAD v4.1: 22 of 1,614,066 alleles (0.0014%); highest among the groups gnomAD compares: Admixed American, 0.013%; no homozygotes.

Submissions (5):

Ambry Genetics
Classification: Uncertain significance for Cardiovascular phenotype. Last evaluated: 2025-12-01. Review status: criteria provided, single submitter. Criteria: Ambry Variant Classification Scheme 2023. Collection method: clinical testing. Allele origin: germline.
Comment: The p.T220A variant (also known as c.658A>G), located in coding exon 6 of the ABCG5 gene, results from an A to G substitution at nucleotide position 658. The threonine at codon 220 is replaced by alanine, an amino acid with similar properties. This amino acid position is conserved. In addition, this alteration is predicted to be deleterious by in silico analysis. Since supporting evidence is limited at this time, the clinical significance of this alteration remains unclear.

Women's Health and Genetics/Laboratory Corporation of America, LabCorp
Classification: Uncertain significance. Last evaluated: 2023-08-07. Review status: criteria provided, single submitter. Criteria: LabCorp Variant Classification Summary - May 2015. Collection method: clinical testing. Allele origin: germline.

Labcorp Genetics (formerly Invitae), Labcorp
Classification: Uncertain significance for Sitosterolemia. Last evaluated: 2022-08-01. Review status: criteria provided, single submitter. Criteria: Invitae Variant Classification Sherloc (09022015). Collection method: clinical testing. Allele origin: germline.
Comment: This sequence change replaces threonine, which is neutral and polar, with alanine, which is neutral and non-polar, at codon 220 of the ABCG5 protein (p.Thr220Ala). This variant is present in population databases (rs781732933, gnomAD 0.01%). This variant has not been reported in the literature in individuals affected with ABCG5-related conditions. ClinVar contains an entry for this variant (Variation ID: 596105). Algorithms developed to predict the effect of missense changes on protein structure and function (SIFT, PolyPhen-2, Align-GVGD) all suggest that this variant is likely to be disruptive. In summary, the available evidence is currently insufficient to determine the role of this variant in disease. Therefore, it has been classified as a Variant of Uncertain Significance.

Eurofins Ntd Llc (ga)
Classification: Uncertain significance. Last evaluated: 2018-02-14. Review status: criteria provided, single submitter. Criteria: EGL ClinVar v180209 classification definitions. Collection method: clinical testing. Allele origin: germline. Observed: 1 variant allele, 1 heterozygote.

PreventionGenetics, part of Exact Sciences
Classification: Uncertain significance for ABCG5-related condition. Last evaluated: 2024-02-21. Review status: no assertion criteria provided. Collection method: clinical testing. Allele origin: germline. Not counted in ClinVar's aggregate classification.
Comment: The ABCG5 c.658A>G variant is predicted to result in the amino acid substitution p.Thr220Ala. To our knowledge, this variant has not been reported in the literature. This variant is reported in 0.011% of alleles in individuals of Latino descent in gnomAD. At this time, the clinical significance of this variant is uncertain due to the absence of conclusive functional and genetic evidence.